The following is an entry in ClinVar:

ClinVar aggregate classification (germline): Conflicting classifications of pathogenicity. Review status: criteria provided, conflicting classifications (1 of 4 stars). 3 submissions from 3 submitters: Uncertain significance (1); Likely benign (2). Last evaluated 2025-09-13.

Conditions:
MOCS2-related disorder. Also called: MOCS2-related condition.
Sulfite oxidase deficiency due to molybdenum cofactor deficiency type B1 (MOCODB1). Also called: Sulfite oxidase deficiency due to molybdenum cofactor deficiency type B; Molybdenum cofactor deficiency, complementation group B; Molybdenum cofactor deficiency B; MOLYBDENUM COFACTOR DEFICIENCY, TYPE B1. Identifiers: Orphanet 308393, Orphanet 833, MedGen C6065887, MONDO:0009644, OMIM 252160.

Allele frequency attached by ClinVar (database versions not stated): ExAC 0.00002; gnomAD exomes 0.00002 and 0.00004; TOPMed 0.00005; gnomAD 0.00007 and 0.00008.

Submissions (3):

PreventionGenetics, part of Exact Sciences
Classification: Likely benign for MOCS2-related condition. Last evaluated: 2025-09-13. Review status: criteria provided, single submitter. Criteria: ACMG Guidelines, 2015. Collection method: clinical testing. Allele origin: germline.
Comment: This variant is classified as likely benign based on ACMG/AMP sequence variant interpretation guidelines (Richards et al. 2015 PMID: 25741868, with internal and published modifications).

Labcorp Genetics (formerly Invitae), Labcorp
Classification: Likely benign. Last evaluated: 2025-04-01. Review status: criteria provided, single submitter. Criteria: Invitae Variant Classification Sherloc (09022015). Collection method: clinical testing. Allele origin: germline.

Illumina Laboratory Services, Illumina
Classification: Uncertain significance for Sulfite oxidase deficiency due to molybdenum cofactor deficiency type B1. Last evaluated: 2018-01-13. Review status: criteria provided, single submitter. Criteria: ICSL Variant Classification Criteria 13 December 2019. Collection method: clinical testing. Allele origin: germline.

NM_176806.4(MOCS2):c.117G>A (p.Lys39=)

Gene: MOCS2 (molybdenum cofactor synthesis 2; minus strand). Cytogenetic location: 5q11.2.
Variant type: single nucleotide variant.
Coding change: c.117G>A on transcript NM_176806.4 (MANE Plus Clinical); coding-DNA position 117, G replaced by A.
Protein change: p.Lys39=; no amino-acid change (lysine 39 retained).
Molecular consequence: synonymous variant. On other transcripts: 5 prime UTR variant (1).
Genome position (GRCh38, 1-based): chr5:53,108,545, C>T on the plus strand (G>A on the coding strand, the complement: MOCS2 is on the minus strand). VCF-style: chr5-53108545-C-T. GRCh37 (hg19) VCF-style: chr5-52404375-C-T.
Other names: c.-71G>A (NM_004531.5).
Identifiers: ClinVar variation 353882 (VCV000353882.14), dbSNP rs773035025, ClinGen allele CA3263800.
Genomic context (GRCh38, chr5:53,108,545, plus strand): 5'-AGTGTTACTCATATGCATTCTACAAATTTTTAACTACCCAGGATGTCGAGTTTCTATCTC[C>T]TTCCACAGCTGCAACGCTTTTATTTCTTGAGGCACAGAAATGGTCTCTGAACGAACTCCT-3'
Protein context (NP_789776.1, residues 29-49): PQEIKALQLW[Lys39=]EIETRHPGLA